The following is an entry in ClinVar:

NM_001046.3(SLC12A2):c.2005+17G>T

Gene: SLC12A2 (solute carrier family 12 member 2; plus strand). Cytogenetic location: 5q23.3.
Variant type: single nucleotide variant.
Coding change: c.2005+17G>T on transcript NM_001046.3 (MANE Select); 17 bases into the intron after coding-DNA position 2005, G replaced by T.
Molecular consequence: intron variant.
Genome position (GRCh38, 1-based): chr5:128,148,894, G>T. VCF-style: chr5-128148894-G-T. GRCh37 (hg19) VCF-style: chr5-127484586-G-T.
Other names: c.2005+17G>T (NM_001256461.2).
Identifiers: ClinVar variation 1924216 (VCV001924216.5), dbSNP rs1008326217, ClinGen allele CA126983726.

ClinVar aggregate classification (germline): Uncertain significance (1 of 4 stars; one submission).

Allele frequency attached by ClinVar (database versions not stated): TOPMed below 0.00001.
gnomAD v4.1: 50 of 1,568,226 alleles (0.0032%); highest among the groups gnomAD compares: Non-Finnish European, 0.0042%; no homozygotes.

Submission:

Labcorp Genetics (formerly Invitae), Labcorp
Classification: Uncertain significance. Last evaluated: 2022-10-16. Review status: criteria provided, single submitter. Criteria: Invitae Variant Classification Sherloc (09022015). Collection method: clinical testing. Allele origin: germline.
Comment: This variant has not been reported in the literature in individuals affected with SLC12A2-related conditions. This variant is not present in population databases (gnomAD no frequency). This sequence change falls in intron 12 of the SLC12A2 gene. It does not directly change the encoded amino acid sequence of the SLC12A2 protein. Algorithms developed to predict the effect of sequence changes on RNA splicing suggest that this variant may disrupt the consensus splice site. In summary, the available evidence is currently insufficient to determine the role of this variant in disease. Therefore, it has been classified as a Variant of Uncertain Significance.